The following is an entry in ClinVar:

NM_001374385.1(ATP8B1):c.1150C>G (p.Arg384Gly)

Gene: ATP8B1 (ATPase phospholipid transporting 8B1; minus strand). Cytogenetic location: 18q21.31.
Variant type: single nucleotide variant.
Coding change: c.1150C>G on transcript NM_001374385.1 (MANE Select); coding-DNA position 1150, C replaced by G.
Protein change: p.Arg384Gly; replaces arginine 384 with glycine.
Molecular consequence: missense variant.
Genome position (GRCh38, 1-based): chr18:57,691,877, G>C on the plus strand (C>G on the coding strand, the complement: ATP8B1 is on the minus strand). VCF-style: chr18-57691877-G-C. GRCh37 (hg19) VCF-style: chr18-55359109-G-C.
Other names: c.1000C>G, p.Arg334Gly (NM_001374386.1); c.1150C>G, p.Arg384Gly (NM_005603.6); short protein forms R384G, R334G.
Identifiers: ClinVar variation 2512324 (VCV002512324.3), dbSNP rs200484292, ClinGen allele CA300860084.

ClinVar aggregate classification (germline): Uncertain significance. Review status: criteria provided, multiple submitters, no conflicts (2 of 4 stars). 2 submissions from 2 submitters: Uncertain significance (2). Last evaluated 2026-02-23.

Conditions:
ATP8B1-related disorder. Also called: ATP8B1-related disorders; ATP8B1-related condition.
Inborn genetic diseases. Identifiers: MedGen C0950123, MeSH D030342.

Allele frequency attached by ClinVar (database versions not stated): gnomAD 0.00002; TOPMed 0.00002.
gnomAD v4.1: 15 of 1,614,022 alleles (0.00093%); highest among the groups gnomAD compares: Non-Finnish European, 0.0013%; no homozygotes.

Submissions (2):

PreventionGenetics, part of Exact Sciences
Classification: Uncertain significance for ATP8B1-related condition. Last evaluated: 2026-02-23. Review status: criteria provided, single submitter. Criteria: ACMG Guidelines, 2015. Collection method: clinical testing. Allele origin: germline.
Comment: The ATP8B1 c.1150C>G variant is predicted to result in the amino acid substitution p.Arg384Gly. To our knowledge, this variant has not been reported in the literature. This variant is reported in 0.00088% of alleles in individuals of European (Non-Finnish) descent in gnomAD. Another missense alteration at this amino acid position, p.Arg384His, has been reported in two individuals with intrahepatic cholestasis of pregnancy, one with neonatal cholestasis, and one with gallstone disease (Zöllner et al. 2023. PubMed ID: 37208429; Huynh et al. 2019. PubMed ID: 31538484; Table S1 in Hahn. et al. 2024. PubMed ID: 38323732). At this time, the clinical significance of the p.Arg384Gly variant is uncertain due to the absence of conclusive functional and genetic evidence.

Ambry Genetics
Classification: Uncertain significance for Inborn genetic diseases. Last evaluated: 2023-05-26. Review status: criteria provided, single submitter. Criteria: Ambry Variant Classification Scheme 2023. Collection method: clinical testing. Allele origin: germline.